The following is an entry in ClinVar:

ClinVar aggregate classification (germline): Benign. Review status: criteria provided, multiple submitters, no conflicts (2 of 4 stars). 2 submissions from 2 submitters: Benign (2). Last evaluated 2020-10-14.

Allele frequency attached by ClinVar (database versions not stated): gnomAD exomes 0.00221 and 0.00070; ExAC 0.00258; gnomAD 0.00819 and 0.00760; ESP Exome Variant Server 0.00884; 1000 Genomes Project 0.00759; TOPMed 0.00907; 1000 Genomes Project 30x 0.00937.
gnomAD v4.1: 2,225 of 1,614,176 alleles (0.14%); highest among the groups gnomAD compares: African/African-American, 2.5%; 40 homozygotes.

Submissions (2):

Mayo Clinic Laboratories, Mayo Clinic
Classification: Benign. Last evaluated: 2020-10-14. Review status: criteria provided, single submitter. Criteria: ACMG Guidelines, 2015. Collection method: clinical testing. Allele origin: germline. Observed: 4 variant alleles.

GeneDx
Classification: Benign. Last evaluated: 2013-04-30. Review status: criteria provided, single submitter. Criteria: GeneDx Variant Classification (06012015). Collection method: clinical testing. Allele origin: germline. Affected: yes.
Comment: This variant is considered likely benign or benign based on one or more of the following criteria: it is a conservative change, it occurs at a poorly conserved position in the protein, it is predicted to be benign by multiple in silico algorithms, and/or has population frequency not consistent with disease.

NM_004544.4(NDUFA10):c.*2C>T

Gene: NDUFA10 (NADH:ubiquinone oxidoreductase subunit A10; minus strand). Cytogenetic location: 2q37.3.
Variant type: single nucleotide variant.
Coding change: c.*2C>T on transcript NM_004544.4 (MANE Select); 2 bases downstream of the stop codon, C replaced by T.
Molecular consequence: 3 prime UTR variant. On other transcripts: non-coding transcript variant (3).
Genome position (GRCh38, 1-based): chr2:239,961,116, G>A on the plus strand (C>T on the coding strand, the complement: NDUFA10 is on the minus strand). VCF-style: chr2-239961116-G-A. GRCh37 (hg19) VCF-style: chr2-240900533-G-A.
Other names: c.*7C>T (NM_001322020.2).
Identifiers: ClinVar variation 138441 (VCV000138441.3), dbSNP rs139926757, ClinGen allele CA292425.